The following is an entry in ClinVar:

NM_001673.5(ASNS):c.1123A>C (p.Ile375Leu)

Genes: ASNS (asparagine synthetase (glutamine-hydrolyzing); minus strand), CZ1P-ASNS (CZ1P-ASNS readthrough; minus strand). Cytogenetic location: 7q21.3.
Variant type: single nucleotide variant.
Coding change: c.1123A>C on transcript NM_001673.5 (MANE Select); coding-DNA position 1123, A replaced by C.
Protein change: p.Ile375Leu; replaces isoleucine 375 with leucine.
Molecular consequence: missense variant. On other transcripts: non-coding transcript variant (1).
Genome position (GRCh38, 1-based): chr7:97,855,367, T>G on the plus strand (A>C on the coding strand, the complement: ASNS is on the minus strand). VCF-style: chr7-97855367-T-G. GRCh37 (hg19) VCF-style: chr7-97484679-T-G.
Other names: c.1060A>C, p.Ile354Leu (NM_001178075.2); c.874A>C, p.Ile292Leu (NM_001178076.2, NM_001178077.1); c.1123A>C, p.Ile375Leu (NM_001352496.2, NM_133436.3, NM_183356.4); short protein forms I292L, I354L, I375L.
Identifiers: ClinVar variation 2046410 (VCV002046410.1), dbSNP rs766097318, ClinGen allele CA4354602.

ClinVar aggregate classification (germline): Uncertain significance (1 of 4 stars; one submission).

gnomAD v4.1: 2 of 1,611,376 alleles (0.00012%); highest among the groups gnomAD compares: Non-Finnish European, 0.00017%; no homozygotes.

Submission:

Labcorp Genetics (formerly Invitae), Labcorp
Classification: Uncertain significance. Last evaluated: 2022-07-17. Review status: criteria provided, single submitter. Criteria: Invitae Variant Classification Sherloc (09022015). Collection method: clinical testing. Allele origin: germline.
Comment: This sequence change replaces isoleucine, which is neutral and non-polar, with leucine, which is neutral and non-polar, at codon 375 of the ASNS protein (p.Ile375Leu). This variant is present in population databases (rs766097318, gnomAD 0.0009%). This variant has not been reported in the literature in individuals affected with ASNS-related conditions. Algorithms developed to predict the effect of missense changes on protein structure and function (SIFT, PolyPhen-2, Align-GVGD) all suggest that this variant is likely to be tolerated. In summary, the available evidence is currently insufficient to determine the role of this variant in disease. Therefore, it has been classified as a Variant of Uncertain Significance.